The following is an entry in ClinVar:

NM_000088.4(COL1A1):c.334-5C>T

Gene: COL1A1 (collagen type I alpha 1 chain; minus strand). Cytogenetic location: 17q21.33.
Variant type: single nucleotide variant.
Coding change: c.334-5C>T on transcript NM_000088.4 (MANE Select); 5 bases into the intron before coding-DNA position 334, C replaced by T.
Molecular consequence: intron variant.
Genome position (GRCh38, 1-based): chr17:50,199,458, G>A on the plus strand (C>T on the coding strand, the complement: COL1A1 is on the minus strand). VCF-style: chr17-50199458-G-A. GRCh37 (hg19) VCF-style: chr17-48276819-G-A.
Other names: c.334-5C>T (NM_000088.3).
Identifiers: ClinVar variation 1629439 (VCV001629439.12), dbSNP rs115997082, ClinGen allele CA626689139.

ClinVar aggregate classification (germline): Conflicting classifications of pathogenicity. Review status: criteria provided, conflicting classifications (1 of 4 stars). 4 submissions from 4 submitters: Uncertain significance (1); Benign (1); Likely benign (2). Last evaluated 2025-09-15.

Conditions:
Cardiovascular phenotype. Identifiers: MedGen CN230736.
Osteogenesis imperfecta type I (OI1). Also called: Osteogenesis imperfecta type 1; Lobstein disease; OI, TYPE I; OSTEOGENESIS IMPERFECTA TARDA; OSTEOGENESIS IMPERFECTA WITH BLUE SCLERAE; Lobstein's Disease. Identifiers: Orphanet 216796, Orphanet 666, MedGen C0023931, MONDO:0008146, OMIM 166200. Disease mechanism: loss of function.

gnomAD v4.1: 48 of 1,614,066 alleles (0.003%); highest among the groups gnomAD compares: Non-Finnish European, 0.0039%; no homozygotes.

Submissions (4):

Labcorp Genetics (formerly Invitae), Labcorp
Classification: Likely benign for Osteogenesis imperfecta type I. Last evaluated: 2025-09-15. Review status: criteria provided, single submitter. Criteria: Invitae Variant Classification Sherloc (09022015). Collection method: clinical testing. Allele origin: germline.

Women's Health and Genetics/Laboratory Corporation of America, LabCorp
Classification: Benign. Last evaluated: 2025-03-04. Review status: criteria provided, single submitter. Criteria: LabCorp Variant Classification Summary - May 2015. Collection method: clinical testing. Allele origin: germline.
Comment: Variant summary: COL1A1 c.334-5C>T alters a non-conserved nucleotide located close to a canonical splice site and therefore could affect mRNA splicing, leading to a significantly altered protein sequence. Consensus agreement among computation tools predict no significant impact on normal splicing. However, these predictions have yet to be confirmed by functional studies. The variant allele was found at a frequency of 3e-05 in 1614066 control chromosomes, predominantly at a frequency of 3.9e-05 within the Non-Finnish European subpopulation in the gnomAD database. The observed variant frequency within Non-Finnish European control individuals in the gnomAD database is approximately 1.3 fold of the estimated maximal expected allele frequency for a pathogenic variant in COL1A1 causing Osteogenesis imperfecta type I phenotype (3e-05). To our knowledge, no occurrence of c.334-5C>T in individuals affected with Osteogenesis imperfecta type I and no experimental evidence demonstrating its impact on protein function have been reported. ClinVar contains an entry for this variant (Variation ID: 1629439). Based on the evidence outlined above, the variant was classified as benign.

Blueprint Genetics
Classification: Likely benign. Last evaluated: 2023-06-12. Review status: criteria provided, single submitter. Criteria: ACMG Guidelines, 2015. Collection method: clinical testing. Allele origin: germline.

Ambry Genetics
Classification: Uncertain significance for Cardiovascular phenotype. Last evaluated: 2022-11-11. Review status: criteria provided, single submitter. Criteria: Ambry Variant Classification Scheme 2023. Collection method: clinical testing. Allele origin: germline.
Comment: The c.334-5C>T intronic variant results from a C to T substitution 5 nucleotides upstream from coding exon 4 in the COL1A1 gene. This nucleotide position is well conserved in available vertebrate species. In silico splice site analysis predicts that this alteration will not have any significant effect on splicing. Since supporting evidence is limited at this time, the clinical significance of this alteration remains unclear.